The following is an entry in ClinVar:

ClinVar aggregate classification (germline): Uncertain significance (1 of 4 stars; one submission).

Conditions:
Epilepsy, progressive myoclonic, 1B. Also called: PME. Identifiers: Orphanet 308, MedGen C2676254, MONDO:0012904, OMIM 612437.

Allele frequency attached by ClinVar (database versions not stated): gnomAD exomes below 0.00001.
gnomAD v4.1: 1 of 1,614,208 alleles (0.000062%); highest among the groups gnomAD compares: East Asian, 0.0022%; no homozygotes.

Submission:

Labcorp Genetics (formerly Invitae), Labcorp
Classification: Uncertain significance for Epilepsy, progressive myoclonic, 1B. Last evaluated: 2021-08-26. Review status: criteria provided, single submitter. Criteria: Invitae Variant Classification Sherloc (09022015). Collection method: clinical testing. Allele origin: germline.
Comment: This sequence change replaces lysine with glutamine at codon 820 of the PRICKLE1 protein (p.Lys820Gln). The lysine residue is highly conserved and there is a small physicochemical difference between lysine and glutamine. This variant is not present in population databases (ExAC no frequency). This variant has not been reported in the literature in individuals affected with PRICKLE1-related conditions. Algorithms developed to predict the effect of missense changes on protein structure and function are either unavailable or do not agree on the potential impact of this missense change (SIFT: "Deleterious"; PolyPhen-2: "Benign"; Align-GVGD: "Class C0"). In summary, the available evidence is currently insufficient to determine the role of this variant in disease. Therefore, it has been classified as a Variant of Uncertain Significance.

NM_153026.3(PRICKLE1):c.2458A>C (p.Lys820Gln)

Gene: PRICKLE1 (prickle planar cell polarity protein 1; minus strand). Cytogenetic location: 12q12.
Variant type: single nucleotide variant.
Coding change: c.2458A>C on transcript NM_153026.3 (MANE Select); coding-DNA position 2458, A replaced by C.
Protein change: p.Lys820Gln; replaces lysine 820 with glutamine.
Molecular consequence: missense variant.
Genome position (GRCh38, 1-based): chr12:42,459,847, T>G on the plus strand (A>C on the coding strand, the complement: PRICKLE1 is on the minus strand). VCF-style: chr12-42459847-T-G. GRCh37 (hg19) VCF-style: chr12-42853649-T-G.
Other names: c.2458A>C, p.Lys820Gln (NM_001144881.2, NM_001144882.2, NM_001144883.2); short protein forms K820Q.
Identifiers: ClinVar variation 1038526 (VCV001038526.6), dbSNP rs1342604313, ClinGen allele CA384439428.